The following is an entry in ClinVar:

ClinVar aggregate classification (germline): Uncertain significance. Review status: criteria provided, single submitter (1 of 4 stars). 2 submissions from 2 submitters: Uncertain significance (1). 1 of the submissions does not count toward it. Last evaluated 2023-11-25.

Conditions:
Glucocorticoid resistance. Also called: Glucocorticoid resistance, generalized; Gccr deficiency; Glucocorticoid receptor deficiency; Cortisol resistance from glucocorticoid receptor defect; Gcr deficiency. Identifiers: Orphanet 786, MedGen C1841972, MONDO:0014421, OMIM 615962.

Allele frequency attached by ClinVar (database versions not stated): gnomAD exomes below 0.00001.
gnomAD v4.1: 2 of 1,613,930 alleles (0.00012%); highest among the groups gnomAD compares: Non-Finnish European, 0.000085%; no homozygotes.

Submissions (2):

Labcorp Genetics (formerly Invitae), Labcorp
Classification: Uncertain significance. Last evaluated: 2023-11-25. Review status: criteria provided, single submitter. Criteria: Invitae Variant Classification Sherloc (09022015). Collection method: clinical testing. Allele origin: germline.
Comment: This sequence change replaces arginine, which is basic and polar, with histidine, which is basic and polar, at codon 477 of the NR3C1 protein (p.Arg477His). This variant is present in population databases (rs104893913, gnomAD 0.0009%). This missense change has been observed in individual(s) with primary cortisol resistance (PMID: 11589680). ClinVar contains an entry for this variant (Variation ID: 16156). An algorithm developed to predict the effect of missense changes on protein structure and function (PolyPhen-2) suggests that this variant is likely to be disruptive. Experimental studies have shown that this missense change affects NR3C1 function (PMID: 11589680, 15017388). This variant disrupts the p.Arg477 amino acid residue in NR3C1. Other variant(s) that disrupt this residue have been observed in individuals with NR3C1-related conditions (PMID: 11589680, 27120390, 29444898), which suggests that this may be a clinically significant amino acid residue. In summary, the available evidence is currently insufficient to determine the role of this variant in disease. Therefore, it has been classified as a Variant of Uncertain Significance.

OMIM
Classification: Pathogenic for GLUCOCORTICOID RESISTANCE, GENERALIZED. Last evaluated: 2005-06-01. Review status: no assertion criteria provided. Collection method: literature only. Allele origin: germline. Not counted in ClinVar's aggregate classification.

Literature cited by the submitters: PubMed 11589680 (cited by Labcorp Genetics (formerly Invitae), Labcorp and OMIM); PubMed 15017388 (cited by Labcorp Genetics (formerly Invitae), Labcorp); PubMed 27120390 (cited by Labcorp Genetics (formerly Invitae), Labcorp); PubMed 29444898 (cited by Labcorp Genetics (formerly Invitae), Labcorp); PubMed 15769988 (cited by OMIM).

NM_000176.3(NR3C1):c.1430G>A (p.Arg477His)

Gene: NR3C1 (nuclear receptor subfamily 3 group C member 1; minus strand). Cytogenetic location: 5q31.3.
Variant type: single nucleotide variant.
Coding change: c.1430G>A on transcript NM_000176.3 (MANE Select); coding-DNA position 1430, G replaced by A.
Protein change: p.Arg477His; replaces arginine 477 with histidine.
Molecular consequence: missense variant. On other transcripts: non-coding transcript variant (1).
Genome position (GRCh38, 1-based): chr5:143,310,135, C>T on the plus strand (G>A on the coding strand, the complement: NR3C1 is on the minus strand). VCF-style: chr5-143310135-C-T. GRCh37 (hg19) VCF-style: chr5-142689700-C-T.
Other names: c.1430G>A, p.Arg477His (NM_001018074.1, NM_001018075.1, NM_001018076.2 and 6 more transcripts); c.1433G>A, p.Arg478His (NM_001024094.2, NM_001364183.2, NM_001364184.2 and 1 more transcripts); c.1352G>A, p.Arg451His (NM_001204258.2); c.1175G>A, p.Arg392His (NM_001204259.2); c.1163G>A, p.Arg388His (NM_001204260.2); c.1139G>A, p.Arg380His (NM_001204261.2); c.485G>A, p.Arg162His (NM_001204262.2); c.440G>A, p.Arg147His (NM_001204263.2); and 1 more; short protein forms R477H, R142H, R380H, R162H, R388H, R451H, R478H, R147H.
Identifiers: ClinVar variation 16156 (VCV000016156.7), dbSNP rs104893913, ClinGen allele CA126236.